The following is an entry in ClinVar:

NM_033380.3(COL4A5):c.3523C>T (p.Pro1175Ser)

Gene: COL4A5 (collagen type IV alpha 5 chain; plus strand). Cytogenetic location: Xq22.3.
Variant type: single nucleotide variant.
Coding change: c.3523C>T on transcript NM_033380.3 (MANE Select); coding-DNA position 3523, C replaced by T.
Protein change: p.Pro1175Ser; replaces proline 1175 with serine.
Molecular consequence: missense variant.
Genome position (GRCh38, 1-based): chrX:108,666,564, C>T. VCF-style: chrX-108666564-C-T. GRCh37 (hg19) VCF-style: chrX-107909794-C-T.
Other names: c.3523C>T, p.Pro1175Ser (NM_000495.5); short protein forms P1175S.
Identifiers: ClinVar variation 3393323 (VCV003393323.2).

ClinVar aggregate classification (germline): Uncertain significance (1 of 4 stars; one submission).

Conditions:
X-linked Alport syndrome (ATS1). Also called: COL4A5-Related Nephropathy; NEPHROPATHY AND DEAFNESS, X-LINKED. Identifiers: Orphanet 63, Orphanet 88917, MedGen C4746986, MONDO:0010520, OMIM 301050.

Submission:

Institute of Human Genetics, University of Goettingen
Classification: Uncertain significance for X-linked Alport syndrome. Last evaluated: 2024-11-06. Review status: criteria provided, single submitter. Criteria: ACMG Guidelines, 2015. Collection method: clinical testing. Allele origin: unknown. Inheritance: X-linked dominant inheritance. Affected: yes. Observed: 1 hemizygote.
Comment: The variant c.3523C>T (p.(Pro1175Ser)) in exon 39 of the COL4A5 gene is not found in the gnomAD database. The variation shows a moderately conserved nucleotide and a highly conserved amino acid. There is a moderate physicochemical difference between Pro and Ser. This variant has a pathogenic computational verdict based on in silico prediction algorithms. ACMG criteria used for classification: PM1, PM2_sup, PP3_sup